The following is an entry in ClinVar:

ClinVar aggregate classification (germline): Likely pathogenic (1 of 4 stars; one submission).

Conditions:
Hereditary spastic paraplegia 49 (HSAN9). Also called: TECPR2-Related Hereditary Sensory and Autonomic Neuropathy with Intellectual Disability; Spastic paraplegia 49, autosomal recessive; NEUROPATHY, HEREDITARY SENSORY AND AUTONOMIC, TYPE IX, WITH DEVELOPMENTAL DELAY. Identifiers: Orphanet 320385, MedGen C5190860, MONDO:0014016, OMIM 615031.

Submission:

Natera, Inc.
Classification: Likely pathogenic for Autosomal recessive spastic paraplegia type 49. Last evaluated: 2024-08-19. Review status: criteria provided, single submitter. Criteria: Natera Variant Classification Schema (03/2026). Collection method: clinical testing. Allele origin: germline.
Comment: The c.3614G>A variant in TECPR2 is a nonsense variant predicted to introduce a stop codon at amino acid 1205. This variant is expected to result in nonsense mediated decay, truncation, or a dysfunctional protein product. This variant is rare in the general population with a frequency below the threshold expected for the associated phenotype(s). Given the available evidence, this variant is classified as Likely Pathogenic.

NM_014844.5(TECPR2):c.3614G>A (p.Trp1205Ter)

Gene: TECPR2 (tectonin beta-propeller repeat containing 2; plus strand). Cytogenetic location: 14q32.31.
Variant type: single nucleotide variant.
Coding change: c.3614G>A on transcript NM_014844.5 (MANE Select); coding-DNA position 3614, G replaced by A.
Protein change: p.Trp1205Ter; replaces tryptophan 1205 with a stop codon.
Molecular consequence: nonsense.
Genome position (GRCh38, 1-based): chr14:102,452,601, G>A. VCF-style: chr14-102452601-G-A. GRCh37 (hg19) VCF-style: chr14-102918938-G-A.
Other names: c.3614G>A, p.Trp1205Ter (NM_001172631.3); short protein forms W1205*.
Identifiers: ClinVar variation 4815751 (VCV004815751.1).